The following is an entry in ClinVar:

NM_017636.4(TRPM4):c.677A>G (p.Asp226Gly)

Gene: TRPM4 (transient receptor potential cation channel subfamily M member 4; plus strand). Cytogenetic location: 19q13.33.
Variant type: single nucleotide variant.
Coding change: c.677A>G on transcript NM_017636.4 (MANE Select); coding-DNA position 677, A replaced by G.
Protein change: p.Asp226Gly; replaces aspartic acid 226 with glycine.
Molecular consequence: missense variant. On other transcripts: 5 prime UTR variant (2).
Genome position (GRCh38, 1-based): chr19:49,168,617, A>G. VCF-style: chr19-49168617-A-G. GRCh37 (hg19) VCF-style: chr19-49671874-A-G.
Other names: c.677A>G, p.Asp226Gly (NM_001195227.2); c.332A>G, p.Asp111Gly (NM_001321281.2); c.-877A>G (NM_001321282.2); c.155A>G, p.Asp52Gly (NM_001321283.2); c.-173A>G (NM_001321285.2); short protein forms D226G, D52G, D111G.
Identifiers: ClinVar variation 2732153 (VCV002732153.3), dbSNP rs546529855, ClinGen allele CA9568908.

ClinVar aggregate classification (germline): Uncertain significance (1 of 4 stars; one submission).

Conditions:
Progressive familial heart block type IB (PFHB1B). Identifiers: Orphanet 871, MedGen C1970298, MONDO:0011474, OMIM 604559.

Allele frequency attached by ClinVar (database versions not stated): gnomAD 0.00001; gnomAD exomes 0.00005; 1000 Genomes Project 0.00020; TOPMed below 0.00001; ExAC 0.00010; 1000 Genomes Project 30x 0.00016.

Submission:

Labcorp Genetics (formerly Invitae), Labcorp
Classification: Uncertain significance for Progressive familial heart block type IB. Last evaluated: 2026-01-19. Review status: criteria provided, single submitter. Criteria: Invitae Variant Classification Sherloc (09022015). Collection method: clinical testing. Allele origin: germline.
Comment: This sequence change replaces aspartic acid, which is acidic and polar, with glycine, which is neutral and non-polar, at codon 226 of the TRPM4 protein (p.Asp226Gly). This variant is present in population databases (rs546529855, gnomAD 0.07%), and has an allele count higher than expected for a pathogenic variant. This variant has not been reported in the literature in individuals affected with TRPM4-related conditions. ClinVar contains an entry for this variant (Variation ID: 2732153). An algorithm developed to predict the effect of missense changes on protein structure and function (PolyPhen-2) suggests that this variant is likely to be disruptive. In summary, the available evidence is currently insufficient to determine the role of this variant in disease. Therefore, it has been classified as a Variant of Uncertain Significance.